The following is an entry in ClinVar:

NM_001184880.2(PCDH19):c.2495T>C (p.Phe832Ser)

Genes: PCDH19 (protocadherin 19; minus strand), LOC125467768 (CDK7 strongly-dependent group 2 enhancer GRCh37_chrX:99657381-99658580; plus strand). Cytogenetic location: Xq22.1.
Variant type: single nucleotide variant.
Coding change: c.2495T>C on transcript NM_001184880.2 (MANE Select); coding-DNA position 2495, T replaced by C.
Protein change: p.Phe832Ser; replaces phenylalanine 832 with serine.
Molecular consequence: missense variant.
Genome position (GRCh38, 1-based): chrX:100,402,645, A>G on the plus strand (T>C on the coding strand, the complement: PCDH19 is on the minus strand). VCF-style: chrX-100402645-A-G. GRCh37 (hg19) VCF-style: chrX-99657643-A-G.
Other names: c.2354T>C, p.Phe785Ser (NM_001105243.2, NM_020766.3); short protein forms F785S, F832S.
Identifiers: ClinVar variation 2503115 (VCV002503115.1), dbSNP rs2520956112, ClinGen allele CA414005670.

ClinVar aggregate classification (germline): Uncertain significance (1 of 4 stars; one submission).

Submission:

GeneDx
Classification: Uncertain significance. Last evaluated: 2022-11-25. Review status: criteria provided, single submitter. Criteria: GeneDx Variant Classification Process June 2021. Collection method: clinical testing. Allele origin: germline. Affected: yes.
Comment: Not observed at significant frequency in large population cohorts (gnomAD); Missense variants in this gene are often considered pathogenic (HGMD); In silico analysis supports that this missense variant has a deleterious effect on protein structure/function; Has not been previously published as pathogenic or benign to our knowledge